The following is an entry in ClinVar:

NM_080680.3(COL11A2):c.4681A>G (p.Thr1561Ala)

Gene: COL11A2 (collagen type XI alpha 2 chain; minus strand). Cytogenetic location: 6p21.32.
Variant type: single nucleotide variant.
Coding change: c.4681A>G on transcript NM_080680.3 (MANE Select); coding-DNA position 4681, A replaced by G.
Protein change: p.Thr1561Ala; replaces threonine 1561 with alanine.
Molecular consequence: missense variant.
Genome position (GRCh38, 1-based): chr6:33,165,618, T>C on the plus strand (A>G on the coding strand, the complement: COL11A2 is on the minus strand). VCF-style: chr6-33165618-T-C. GRCh37 (hg19) VCF-style: chr6-33133395-T-C.
Other names: c.4501A>G, p.Thr1501Ala (NM_001424108.1); c.3835A>G, p.Thr1279Ala (NM_001424109.1); c.3655A>G, p.Thr1219Ala (NM_001424110.1, NM_001424111.1); c.2635A>G, p.Thr879Ala (NM_001424112.1); c.4360A>G, p.Thr1454Ala (NM_080679.3); c.4423A>G, p.Thr1475Ala (NM_080681.3); short protein forms T1279A, T1454A, T1475A, T1561A, T1219A, T879A, T1501A.
Identifiers: ClinVar variation 3672433 (VCV003672433.2).

ClinVar aggregate classification (germline): Uncertain significance (1 of 4 stars; one submission).

Submission:

Labcorp Genetics (formerly Invitae), Labcorp
Classification: Uncertain significance. Last evaluated: 2024-04-06. Review status: criteria provided, single submitter. Criteria: Invitae Variant Classification Sherloc (09022015). Collection method: clinical testing. Allele origin: germline.
Comment: This sequence change replaces threonine, which is neutral and polar, with alanine, which is neutral and non-polar, at codon 1561 of the COL11A2 protein (p.Thr1561Ala). This variant is not present in population databases (gnomAD no frequency). This variant has not been reported in the literature in individuals affected with COL11A2-related conditions. Advanced modeling of protein sequence and biophysical properties (such as structural, functional, and spatial information, amino acid conservation, physicochemical variation, residue mobility, and thermodynamic stability) performed at Invitae indicates that this missense variant is not expected to disrupt COL11A2 protein function with a negative predictive value of 95%. In summary, the available evidence is currently insufficient to determine the role of this variant in disease. Therefore, it has been classified as a Variant of Uncertain Significance.